The following is an entry in ClinVar:

NM_001378454.1(ALMS1):c.5972C>G (p.Ser1991Ter)

Gene: ALMS1 (ALMS1 centrosome and basal body associated protein; plus strand). Cytogenetic location: 2p13.1.
Variant type: single nucleotide variant.
Coding change: c.5972C>G on transcript NM_001378454.1 (MANE Select); coding-DNA position 5972, C replaced by G.
Protein change: p.Ser1991Ter; replaces serine 1991 with a stop codon.
Molecular consequence: nonsense.
Genome position (GRCh38, 1-based): chr2:73,452,499, C>G. VCF-style: chr2-73452499-C-G. GRCh37 (hg19) VCF-style: chr2-73679626-C-G.
Other names: c.5975C>G, p.Ser1992Ter (NM_015120.4); short protein forms S1991*, S1992*.
Identifiers: ClinVar variation 3339722 (VCV003339722.1).
Genomic context (GRCh38, chr2:73,452,499, plus strand): 5'-CTATACCAGCAGAGCAGAAGACTGGGATACCAATAGGACTGTCTAGTTCCTACTCACATT[C>G]ACATAAAGAGAAACTCAAGATTTCAACTGTGCATATACCAGATGACCAGAAAACTGAGTT-3'

ClinVar aggregate classification (germline): Pathogenic (1 of 4 stars; one submission).

Conditions:
Alstrom syndrome (ALMS). Identifiers: Orphanet 64, MedGen C0268425, MONDO:0008763, OMIM 203800.

Submission:

Women's Health and Genetics/Laboratory Corporation of America, LabCorp
Classification: Pathogenic for Alstrom syndrome. Last evaluated: 2024-06-06. Review status: criteria provided, single submitter. Criteria: LabCorp Variant Classification Summary - May 2015. Collection method: clinical testing. Allele origin: germline.
Comment: Variant summary: ALMS1 c.5969C>G (p.Ser1990X), also known as c.5975C>G (S1991X) in the RefSeq database, results in a premature termination codon, predicted to cause a truncation of the encoded protein or absence of the protein due to nonsense mediated decay, which are commonly known mechanisms for disease. The variant was absent in 248890 control chromosomes (gnomAD). c.5969C>G has been reported in the literature in individuals affected with Alstrom Syndrome (e.g., Kilinc_2018, Bea-Mascato_2024). These data indicate that the variant is likely to be associated with disease. To our knowledge, no experimental evidence demonstrating an impact on protein function has been reported. No submitters have cited clinical-significance assessments for this variant to ClinVar. Based on the evidence outlined above, the variant was classified as pathogenic.

Literature cited by the submitters: PubMed 29715191; PubMed 37321834.